The following is an entry in ClinVar:

NM_014956.5(CEP164):c.2924C>A (p.Ala975Asp)

Gene: CEP164 (centrosomal protein 164; plus strand). Cytogenetic location: 11q23.3.
Variant type: single nucleotide variant.
Coding change: c.2924C>A on transcript NM_014956.5 (MANE Select); coding-DNA position 2924, C replaced by A.
Protein change: p.Ala975Asp; replaces alanine 975 with aspartic acid.
Molecular consequence: missense variant.
Genome position (GRCh38, 1-based): chr11:117,395,557, C>A. VCF-style: chr11-117395557-C-A. GRCh37 (hg19) VCF-style: chr11-117266273-C-A.
Other names: c.2933C>A, p.Ala978Asp (NM_001271933.2); short protein forms A978D, A975D.
Identifiers: ClinVar variation 2122277 (VCV002122277.4), dbSNP rs778872289, ClinGen allele CA382731042.

ClinVar aggregate classification (germline): Uncertain significance (1 of 4 stars; one submission).

Conditions:
Nephronophthisis 15 (NPHP15). Identifiers: Orphanet 3156, MedGen C3541853, MONDO:0013917, OMIM 614845.

Submission:

Labcorp Genetics (formerly Invitae), Labcorp
Classification: Uncertain significance for Nephronophthisis 15. Last evaluated: 2026-01-05. Review status: criteria provided, single submitter. Criteria: Invitae Variant Classification Sherloc (09022015). Collection method: clinical testing. Allele origin: germline.
Comment: This sequence change replaces alanine, which is neutral and non-polar, with aspartic acid, which is acidic and polar, at codon 975 of the CEP164 protein (p.Ala975Asp). This variant is not present in population databases (gnomAD no frequency). This variant has not been reported in the literature in individuals affected with CEP164-related conditions. ClinVar contains an entry for this variant (Variation ID: 2122277). Invitae Evidence Modeling of protein sequence and biophysical properties (such as structural, functional, and spatial information, amino acid conservation, physicochemical variation, residue mobility, and thermodynamic stability) indicates that this missense variant is not expected to disrupt CEP164 protein function with a negative predictive value of 80%. In summary, the available evidence is currently insufficient to determine the role of this variant in disease. Therefore, it has been classified as a Variant of Uncertain Significance.